The following is an entry in ClinVar:

ClinVar aggregate classification (germline): Likely benign (1 of 4 stars; one submission).

Allele frequency attached by ClinVar (database versions not stated): gnomAD exomes below 0.00001.
gnomAD v4.1: 1 of 1,614,246 alleles (0.000062%); highest among the groups gnomAD compares: Non-Finnish European, 0.000085%; no homozygotes.

Submission:

GeneDx
Classification: Likely benign. Last evaluated: 2018-05-01. Review status: criteria provided, single submitter. Criteria: GeneDx Variant Classification (06012015). Collection method: clinical testing. Allele origin: germline. Affected: yes.
Comment: This variant is considered likely benign or benign based on one or more of the following criteria: it is a conservative change, it occurs at a poorly conserved position in the protein, it is predicted to be benign by multiple in silico algorithms, and/or has population frequency not consistent with disease.

NM_000501.4(ELN):c.1151-8C>T

Gene: ELN (elastin; plus strand). Cytogenetic location: 7q11.23.
Variant type: single nucleotide variant.
Coding change: c.1151-8C>T on transcript NM_000501.4 (MANE Select); 8 bases into the intron before coding-DNA position 1151, C replaced by T.
Molecular consequence: intron variant.
Genome position (GRCh38, 1-based): chr7:74,056,263, C>T. VCF-style: chr7-74056263-C-T. GRCh37 (hg19) VCF-style: chr7-73470593-C-T.
Other names: c.1166-8C>T (NM_001081754.3, NM_001081753.3); c.1151-8C>T (NM_001278939.2, NM_001278915.2, NM_001278912.2 and 1 more transcripts); c.1109-8C>T (NM_001278916.2); c.1043-8C>T (NM_001278913.2); c.1136-8C>T (NM_001278914.2); c.1121-8C>T (NM_001278917.2, NM_001081752.3); c.1019-8C>T (NM_001278918.2).
Identifiers: ClinVar variation 682445 (VCV000682445.1), dbSNP rs1583903771, ClinGen allele CA915944940.